The following is an entry in ClinVar:

NM_004933.3(CDH15):c.1125C>G (p.Phe375Leu)

Gene: CDH15 (cadherin 15; plus strand). Cytogenetic location: 16q24.3.
Variant type: single nucleotide variant.
Coding change: c.1125C>G on transcript NM_004933.3 (MANE Select); coding-DNA position 1125, C replaced by G.
Protein change: p.Phe375Leu; replaces phenylalanine 375 with leucine.
Molecular consequence: missense variant.
Genome position (GRCh38, 1-based): chr16:89,190,389, C>G. VCF-style: chr16-89190389-C-G. GRCh37 (hg19) VCF-style: chr16-89256797-C-G.
Other names: short protein forms F375L.
Identifiers: ClinVar variation 421818 (VCV000421818.3), dbSNP rs1064795379, ClinGen allele CA16620297.
Genomic context (GRCh38, chr16:89,190,389, plus strand): 5'-TGAGCGGGGCCAGGCCAAGGTCCGCGTGCATGTGCAGGACACCAACGAGCCCCCCGTGTT[C>G]CAGGAGAACCCACTTCGGACCAGCCTAGCAGAGGGGGCACCCCCAGGCACTCTGGTGGCC-3'
Protein context (NP_004924.1, residues 365-385): HVQDTNEPPV[Phe375Leu]QENPLRTSLA

ClinVar aggregate classification (germline): Uncertain significance. Review status: criteria provided, single submitter (1 of 4 stars). 2 submissions from 2 submitters: Uncertain significance (1). 1 of the submissions does not count toward it. Last evaluated 2018-05-25.

Conditions:
CDH15-related disorder. Also called: CDH15-related condition.

Submissions (2):

GeneDx
Classification: Uncertain significance. Last evaluated: 2018-05-25. Review status: criteria provided, single submitter. Criteria: GeneDx Variant Classification (06012015). Collection method: clinical testing. Allele origin: germline. Affected: yes.
Comment: The F375L variant in the CDH15 gene has not been reported previously as a pathogenic variant, nor as a benign variant, to our knowledge. The F375L variant was not observed in approximately 6,500 individuals of European and African American ancestry in the NHLBI Exome Sequencing Project, indicating it is not a common benign variant in these populations. The F375L variant is a conservative amino acid substitution, which occurs at a position in the 3rd cadherin repeat that is conserved across species. In silico analysis predicts this variant is probably damaging to the protein structure/function. We interpret F375L as a variant of uncertain significance.

PreventionGenetics, part of Exact Sciences
Classification: Uncertain significance for CDH15-related condition. Last evaluated: 2024-07-05. Review status: no assertion criteria provided. Collection method: clinical testing. Allele origin: germline. Not counted in ClinVar's aggregate classification.
Comment: The CDH15 c.1125C>G variant is predicted to result in the amino acid substitution p.Phe375Leu. To our knowledge, this variant has not been reported in the literature or in gnomAD, indicating this variant is rare. At this time, the clinical significance of this variant is uncertain due to the absence of conclusive functional and genetic evidence.